The following is an entry in ClinVar:

ClinVar aggregate classification (germline): Likely benign (1 of 4 stars; one submission).

Allele frequency attached by ClinVar (database versions not stated): gnomAD 0.00062; 1000 Genomes Project 30x 0.00031; TOPMed 0.00032; gnomAD exomes 0.00039; 1000 Genomes Project 0.00040; ESP Exome Variant Server 0.00046; ExAC 0.00050.
gnomAD v4.1: 660 of 1,612,640 alleles (0.041%); highest among the groups gnomAD compares: Non-Finnish European, 0.046%; 1 homozygote.

Submission:

CeGaT Center for Human Genetics Tuebingen
Classification: Likely benign. Last evaluated: 2024-02-01. Review status: criteria provided, single submitter. Criteria: CeGaT Center For Human Genetics Tuebingen Variant Classification Criteria Version 2. Collection method: clinical testing. Allele origin: germline. Affected: yes. Observed: 1 variant allele.
Comment: ARHGEF16: BP4

NM_014448.4(ARHGEF16):c.1735G>A (p.Val579Met)

Gene: ARHGEF16 (Rho guanine nucleotide exchange factor 16; plus strand). Cytogenetic location: 1p36.32.
Variant type: single nucleotide variant.
Coding change: c.1735G>A on transcript NM_014448.4 (MANE Select); coding-DNA position 1735, G replaced by A.
Protein change: p.Val579Met; replaces valine 579 with methionine.
Molecular consequence: missense variant.
Genome position (GRCh38, 1-based): chr1:3,478,533, G>A. VCF-style: chr1-3478533-G-A. GRCh37 (hg19) VCF-style: chr1-3395097-G-A.
Other names: short protein forms V579M.
Identifiers: ClinVar variation 3025292 (VCV003025292.22), dbSNP rs139024357, ClinGen allele CA545589.